The following is an entry in ClinVar:

ClinVar aggregate classification (germline): Uncertain significance (1 of 4 stars; one submission).

Conditions:
Inborn genetic diseases. Identifiers: MedGen C0950123, MeSH D030342.

Submission:

Ambry Genetics
Classification: Uncertain significance for Inborn genetic diseases. Last evaluated: 2024-01-24. Review status: criteria provided, single submitter. Criteria: Ambry Variant Classification Scheme 2023. Collection method: clinical testing. Allele origin: germline.
Comment: The p.S2460A variant (also known as c.7378T>G), located in coding exon 44 of the ATR gene, results from a T to G substitution at nucleotide position 7378. The serine at codon 2460 is replaced by alanine, an amino acid with similar properties. This amino acid position is conserved. In addition, this alteration is predicted to be deleterious by in silico analysis. Since supporting evidence is limited at this time, the clinical significance of this alteration remains unclear.

NM_001184.4(ATR):c.7378T>G (p.Ser2460Ala)

Gene: ATR (ATR checkpoint kinase; minus strand). Cytogenetic location: 3q23.
Variant type: single nucleotide variant.
Coding change: c.7378T>G on transcript NM_001184.4 (MANE Select); coding-DNA position 7378, T replaced by G.
Protein change: p.Ser2460Ala; replaces serine 2460 with alanine.
Molecular consequence: missense variant.
Genome position (GRCh38, 1-based): chr3:142,459,083, A>C on the plus strand (T>G on the coding strand, the complement: ATR is on the minus strand). VCF-style: chr3-142459083-A-C. GRCh37 (hg19) VCF-style: chr3-142177925-A-C.
Other names: c.7186T>G, p.Ser2396Ala (NM_001354579.2); short protein forms S2396A, S2460A.
Identifiers: ClinVar variation 1758592 (VCV001758592.2), dbSNP rs2108260544, ClinGen allele CA354796277.